The following is an entry in ClinVar:

ClinVar aggregate classification (germline): Uncertain significance (1 of 4 stars; one submission).

Conditions:
Autoimmune lymphoproliferative syndrome type 1. Also called: AUTOIMMUNE LYMPHOPROLIFERATIVE SYNDROME, TYPE I, AUTOSOMAL DOMINANT. Identifiers: Orphanet 3261, MedGen C2717884, MONDO:0011158, OMIM 601859.

Submission:

Labcorp Genetics (formerly Invitae), Labcorp
Classification: Uncertain significance for Autoimmune lymphoproliferative syndrome. Last evaluated: 2022-08-30. Review status: criteria provided, single submitter. Criteria: Invitae Variant Classification Sherloc (09022015). Collection method: clinical testing. Allele origin: germline.
Comment: In summary, the available evidence is currently insufficient to determine the role of this variant in disease. Therefore, it has been classified as a Variant of Uncertain Significance. Algorithms developed to predict the effect of missense changes on protein structure and function are either unavailable or do not agree on the potential impact of this missense change (SIFT: "Not Available"; PolyPhen-2: "Probably Damaging"; Align-GVGD: "Not Available"). ClinVar contains an entry for this variant (Variation ID: 653447). This variant has not been reported in the literature in individuals affected with FAS-related conditions. This variant is not present in population databases (gnomAD no frequency). This sequence change replaces histidine, which is basic and polar, with arginine, which is basic and polar, at codon 96 of the FAS protein (p.His96Arg).

NM_000043.6(FAS):c.287A>G (p.His96Arg)

Gene: FAS (Fas cell surface death receptor; plus strand). Cytogenetic location: 10q23.31.
Variant type: single nucleotide variant.
Coding change: c.287A>G on transcript NM_000043.6 (MANE Select); coding-DNA position 287, A replaced by G.
Protein change: p.His96Arg; replaces histidine 96 with arginine.
Molecular consequence: missense variant. On other transcripts: non-coding transcript variant (4).
Genome position (GRCh38, 1-based): chr10:89,007,790, A>G. VCF-style: chr10-89007790-A-G. GRCh37 (hg19) VCF-style: chr10-90767547-A-G.
Other names: c.287A>G, p.His96Arg (NM_001320619.2, NM_152871.4, NM_152872.4); short protein forms H96R.
Identifiers: ClinVar variation 653447 (VCV000653447.10), dbSNP rs1589475804, ClinGen allele CA377508274.